The following is an entry in ClinVar:

ClinVar aggregate classification (germline): Uncertain significance (1 of 4 stars; one submission).

Conditions:
DICER1-related tumor predisposition. Also called: DICER1-related pleuropulmonary blastoma cancer predisposition syndrome; DICER1 syndrome. Identifiers: Orphanet 284343, MedGen C3839822, MONDO:0100216.

Submission:

Labcorp Genetics (formerly Invitae), Labcorp
Classification: Uncertain significance for DICER1-related tumor predisposition. Last evaluated: 2023-03-09. Review status: criteria provided, single submitter. Criteria: Invitae Variant Classification Sherloc (09022015). Collection method: clinical testing. Allele origin: germline.
Comment: This sequence change replaces alanine, which is neutral and non-polar, with glycine, which is neutral and non-polar, at codon 1622 of the DICER1 protein (p.Ala1622Gly). This variant is not present in population databases (gnomAD no frequency). This variant has not been reported in the literature in individuals affected with DICER1-related conditions. An algorithm developed to predict the effect of missense changes on protein structure and function (PolyPhen-2) suggests that this variant is likely to be tolerated. In summary, the available evidence is currently insufficient to determine the role of this variant in disease. Therefore, it has been classified as a Variant of Uncertain Significance.

NM_177438.3(DICER1):c.4865C>G (p.Ala1622Gly)

Gene: DICER1 (dicer 1, ribonuclease III; minus strand). Cytogenetic location: 14q32.13.
Variant type: single nucleotide variant.
Coding change: c.4865C>G on transcript NM_177438.3 (MANE Select); coding-DNA position 4865, C replaced by G.
Protein change: p.Ala1622Gly; replaces alanine 1622 with glycine.
Molecular consequence: missense variant. On other transcripts: non-coding transcript variant (6).
Genome position (GRCh38, 1-based): chr14:95,096,055, G>C on the plus strand (C>G on the coding strand, the complement: DICER1 is on the minus strand). VCF-style: chr14-95096055-G-C. GRCh37 (hg19) VCF-style: chr14-95562392-G-C.
Other names: c.4865C>G, p.Ala1622Gly (NM_001195573.1, NM_001271282.3, NM_001291628.2 and 13 more transcripts); c.4583C>G, p.Ala1528Gly (NM_001395686.1); c.4460C>G, p.Ala1487Gly (NM_001395687.1, NM_001395688.1, NM_001395689.1 and 2 more transcripts); c.4298C>G, p.Ala1433Gly (NM_001395691.1); c.3182C>G, p.Ala1061Gly (NM_001395697.1); short protein forms A1433G, A1487G, A1528G, A1061G, A1622G.
Identifiers: ClinVar variation 2844398 (VCV002844398.3), dbSNP rs2139841699, ClinGen allele CA390866633.